The following is an entry in ClinVar:

ClinVar aggregate classification (germline): Uncertain significance (1 of 4 stars; one submission).

gnomAD v4.1: 2 of 1,612,472 alleles (0.00012%); highest among the groups gnomAD compares: Middle Eastern, 0.033%; no homozygotes.

Submission:

Labcorp Genetics (formerly Invitae), Labcorp
Classification: Uncertain significance. Last evaluated: 2026-01-23. Review status: criteria provided, single submitter. Criteria: Invitae Variant Classification Sherloc (09022015). Collection method: clinical testing. Allele origin: germline.
Comment: This sequence change falls in intron 12 of the ALPK1 gene. It does not directly change the encoded amino acid sequence of the ALPK1 protein. It affects a nucleotide within the consensus splice site. This variant is not present in population databases (gnomAD no frequency). This variant has not been reported in the literature in individuals affected with ALPK1-related conditions. ClinVar contains an entry for this variant (Variation ID: 3002956). Variants that disrupt the consensus splice site are a relatively common cause of aberrant splicing (PMID: 17576681, 9536098). Algorithms developed to predict the effect of sequence changes on RNA splicing suggest that this variant is not likely to affect RNA splicing. In summary, the available evidence is currently insufficient to determine the role of this variant in disease. Therefore, it has been classified as a Variant of Uncertain Significance.

Literature cited by the submitters: PubMed 17576681; PubMed 9536098.

NM_025144.4(ALPK1):c.3189-3T>A

Gene: ALPK1 (alpha kinase 1; plus strand). Cytogenetic location: 4q25.
Variant type: single nucleotide variant.
Coding change: c.3189-3T>A on transcript NM_025144.4 (MANE Select); 3 bases into the intron before coding-DNA position 3189, T replaced by A.
Molecular consequence: intron variant.
Genome position (GRCh38, 1-based): chr4:112,438,481, T>A. VCF-style: chr4-112438481-T-A. GRCh37 (hg19) VCF-style: chr4-113359637-T-A.
Other names: c.3189-3T>A (NM_001102406.2); c.2955-3T>A (NM_001253884.2).
Identifiers: ClinVar variation 3002956 (VCV003002956.3), dbSNP rs761456699, ClinGen allele CA1485951646.